The following is an entry in ClinVar:

ClinVar aggregate classification (germline): Uncertain significance. Review status: criteria provided, multiple submitters, no conflicts (2 of 4 stars). 2 submissions from 2 submitters: Uncertain significance (2). Last evaluated 2025-10-17.

Conditions:
Brugada syndrome 8 (BRGDA8). Identifiers: Orphanet 130, MedGen C2751083, MONDO:0013148, OMIM 613123.
Cardiovascular phenotype. Identifiers: MedGen CN230736.

Allele frequency attached by ClinVar (database versions not stated): gnomAD 0.00001; gnomAD exomes 0.00001; TOPMed 0.00001.

Submissions (2):

Ambry Genetics
Classification: Uncertain significance for Cardiovascular phenotype. Last evaluated: 2025-10-17. Review status: criteria provided, single submitter. Criteria: Ambry Variant Classification Scheme 2023. Collection method: clinical testing. Allele origin: germline.

Labcorp Genetics (formerly Invitae), Labcorp
Classification: Uncertain significance for Brugada syndrome 8. Last evaluated: 2025-02-20. Review status: criteria provided, single submitter. Criteria: Invitae Variant Classification Sherloc (09022015). Collection method: clinical testing. Allele origin: germline.
Comment: This sequence change replaces arginine, which is basic and polar, with tryptophan, which is neutral and slightly polar, at codon 750 of the HCN4 protein (p.Arg750Trp). This variant is present in population databases (no rsID available, gnomAD 0.007%). This variant has not been reported in the literature in individuals affected with HCN4-related conditions. ClinVar contains an entry for this variant (Variation ID: 3224717). Invitae Evidence Modeling of protein sequence and biophysical properties (such as structural, functional, and spatial information, amino acid conservation, physicochemical variation, residue mobility, and thermodynamic stability) indicates that this missense variant is expected to disrupt HCN4 protein function with a positive predictive value of 95%. In summary, the available evidence is currently insufficient to determine the role of this variant in disease. Therefore, it has been classified as a Variant of Uncertain Significance.

NM_005477.3(HCN4):c.2248C>T (p.Arg750Trp)

Gene: HCN4 (hyperpolarization activated cyclic nucleotide gated potassium channel 4; minus strand). Cytogenetic location: 15q24.1.
Variant type: single nucleotide variant.
Coding change: c.2248C>T on transcript NM_005477.3 (MANE Select); coding-DNA position 2248, C replaced by T.
Protein change: p.Arg750Trp; replaces arginine 750 with tryptophan.
Molecular consequence: missense variant.
Genome position (GRCh38, 1-based): chr15:73,323,845, G>A on the plus strand (C>T on the coding strand, the complement: HCN4 is on the minus strand). VCF-style: chr15-73323845-G-A. GRCh37 (hg19) VCF-style: chr15-73616186-G-A.
Other names: short protein forms R750W.
Identifiers: ClinVar variation 3224717 (VCV003224717.4), dbSNP rs1391281329, ClinGen allele CA393089263.